The following is an entry in ClinVar:

NM_001903.5(CTNNA1):c.2268G>A (p.Met756Ile)

Gene: CTNNA1 (catenin alpha 1; plus strand). Cytogenetic location: 5q31.2.
Variant type: single nucleotide variant.
Coding change: c.2268G>A on transcript NM_001903.5 (MANE Select); coding-DNA position 2268, G replaced by A.
Protein change: p.Met756Ile; replaces methionine 756 with isoleucine.
Molecular consequence: missense variant.
Genome position (GRCh38, 1-based): chr5:138,930,905, G>A. VCF-style: chr5-138930905-G-A. GRCh37 (hg19) VCF-style: chr5-138266594-G-A.
Other names: c.2268G>A, p.Met756Ile (NM_001290307.3, NM_001323982.2, NM_001323983.1 and 2 more transcripts); c.1959G>A, p.Met653Ile (NM_001290309.3); c.1899G>A, p.Met633Ile (NM_001290310.3); c.1158G>A, p.Met386Ile (NM_001290312.1, NM_001323987.1, NM_001323988.1 and 17 more transcripts); c.2175G>A, p.Met725Ile (NM_001323986.2); c.819G>A, p.Met273Ile (NM_001324006.1, NM_001324007.1, NM_001324008.1 and 2 more transcripts); c.1065G>A, p.Met355Ile (NM_001324011.1); c.915G>A, p.Met305Ile (NM_001324012.1, NM_001324013.1); short protein forms M386I, M756I, M305I, M355I, M653I, M273I, M633I, M725I.
Identifiers: ClinVar variation 1951279 (VCV001951279.5), dbSNP rs2533861290, ClinGen allele CA361133910.

ClinVar aggregate classification (germline): Uncertain significance (1 of 4 stars; one submission).

Submission:

Labcorp Genetics (formerly Invitae), Labcorp
Classification: Uncertain significance. Last evaluated: 2022-05-05. Review status: criteria provided, single submitter. Criteria: Invitae Variant Classification Sherloc (09022015). Collection method: clinical testing. Allele origin: germline.
Comment: In summary, the available evidence is currently insufficient to determine the role of this variant in disease. Therefore, it has been classified as a Variant of Uncertain Significance. Algorithms developed to predict the effect of missense changes on protein structure and function are either unavailable or do not agree on the potential impact of this missense change (SIFT: "Deleterious"; PolyPhen-2: "Benign"; Align-GVGD: "Class C0"). This variant has not been reported in the literature in individuals affected with CTNNA1-related conditions. This variant is not present in population databases (gnomAD no frequency). This sequence change replaces methionine, which is neutral and non-polar, with isoleucine, which is neutral and non-polar, at codon 756 of the CTNNA1 protein (p.Met756Ile).